The following is an entry in ClinVar:

ClinVar aggregate classification (germline): Conflicting classifications of pathogenicity. Review status: criteria provided, conflicting classifications (1 of 4 stars). 4 submissions from 4 submitters: Uncertain significance (1); Likely benign (2). 1 of the submissions does not count toward it. Last evaluated 2025-12-11.

Conditions:
TALDO1-related disorder. Also called: TALDO1-related condition.
Deficiency of transaldolase. Also called: EYAID SYNDROME. Identifiers: Orphanet 101028, MedGen C1291329, MONDO:0011624, OMIM 606003.

Allele frequency attached by ClinVar (database versions not stated): gnomAD exomes 0.00010; ExAC 0.00015; gnomAD 0.00022; 1000 Genomes Project 0.00040; TOPMed 0.00044; ESP Exome Variant Server 0.00046; 1000 Genomes Project 30x 0.00047.
gnomAD v4.1: 240 of 1,614,246 alleles (0.015%); highest among the groups gnomAD compares: African/African-American, 0.083%; no homozygotes.

Submissions (4):

Labcorp Genetics (formerly Invitae), Labcorp
Classification: Likely benign. Last evaluated: 2025-12-11. Review status: criteria provided, single submitter. Criteria: Invitae Variant Classification Sherloc (09022015). Collection method: clinical testing. Allele origin: germline.

Blueprint Genetics
Classification: Likely benign. Last evaluated: 2020-07-20. Review status: criteria provided, single submitter. Criteria: ACMG Guidelines, 2015. Collection method: clinical testing. Allele origin: germline.

Illumina Laboratory Services, Illumina
Classification: Uncertain significance for Deficiency of transaldolase. Last evaluated: 2018-01-13. Review status: criteria provided, single submitter. Criteria: ICSL Variant Classification Criteria 13 December 2019. Collection method: clinical testing. Allele origin: germline.

PreventionGenetics, part of Exact Sciences
Classification: Likely benign for TALDO1-related condition. Last evaluated: 2022-01-04. Review status: no assertion criteria provided. Collection method: clinical testing. Allele origin: germline. Not counted in ClinVar's aggregate classification.
Comment: This variant is classified as likely benign based on ACMG/AMP sequence variant interpretation guidelines (Richards et al. 2015 PMID: 25741868, with internal and published modifications).

NM_006755.2(TALDO1):c.930C>T (p.Asp310=)

Gene: TALDO1 (transaldolase 1; plus strand). Cytogenetic location: 11p15.5.
Variant type: single nucleotide variant.
Coding change: c.930C>T on transcript NM_006755.2 (MANE Select); coding-DNA position 930, C replaced by T.
Protein change: p.Asp310=; no amino-acid change (aspartic acid 310 retained).
Molecular consequence: synonymous variant.
Genome position (GRCh38, 1-based): chr11:764,382, C>T. VCF-style: chr11-764382-C-T. GRCh37 (hg19) VCF-style: chr11-764382-C-T.
Identifiers: ClinVar variation 730798 (VCV000730798.16), dbSNP rs181385165, ClinGen allele CA5788354.